The following is an entry in ClinVar:

ClinVar aggregate classification (germline): Uncertain significance (1 of 4 stars; one submission).

Allele frequency attached by ClinVar (database versions not stated): gnomAD 0.00001; TOPMed 0.00001.

Submission:

Labcorp Genetics (formerly Invitae), Labcorp
Classification: Uncertain significance. Last evaluated: 2023-12-23. Review status: criteria provided, single submitter. Criteria: Invitae Variant Classification Sherloc (09022015). Collection method: clinical testing. Allele origin: germline.
Comment: This sequence change falls in intron 2 of the ANKZF1 gene. It does not directly change the encoded amino acid sequence of the ANKZF1 protein. This variant is not present in population databases (gnomAD no frequency). This variant has not been reported in the literature in individuals affected with ANKZF1-related conditions. Algorithms developed to predict the effect of sequence changes on RNA splicing suggest that this variant may disrupt the consensus splice site. In summary, the available evidence is currently insufficient to determine the role of this variant in disease. Therefore, it has been classified as a Variant of Uncertain Significance.

NM_018089.3(ANKZF1):c.149-20A>G

Gene: ANKZF1 (ankyrin repeat and zinc finger peptidyl tRNA hydrolase 1; plus strand). Cytogenetic location: 2q35.
Variant type: single nucleotide variant.
Coding change: c.149-20A>G on transcript NM_018089.3 (MANE Select); 20 bases into the intron before coding-DNA position 149, A replaced by G.
Molecular consequence: intron variant.
Genome position (GRCh38, 1-based): chr2:219,231,908, A>G. VCF-style: chr2-219231908-A-G. GRCh37 (hg19) VCF-style: chr2-220096630-A-G.
Other names: c.149-20A>G (NM_001042410.2); c.-266-582A>G (NM_001282792.2).
Identifiers: ClinVar variation 3000251 (VCV003000251.3), dbSNP rs763549438, ClinGen allele CA764936707.